The following is an entry in ClinVar:

ClinVar aggregate classification (germline): Uncertain significance (1 of 4 stars; one submission).

gnomAD v4.1: 3 of 1,614,174 alleles (0.00019%); highest among the groups gnomAD compares: South Asian, 0.0011%; no homozygotes.

Submission:

Women's Health and Genetics/Laboratory Corporation of America, LabCorp
Classification: Uncertain significance. Last evaluated: 2026-02-17. Review status: criteria provided, single submitter. Criteria: LabCorp Variant Classification Summary - May 2015. Collection method: clinical testing. Allele origin: germline.
Comment: Variant summary: SH3TC2 c.2836G>A (p.Ala946Thr) results in a non-conservative amino acid change in the encoded protein sequence. Algorithms developed to predict the effect of missense changes on protein structure and function all suggest that this variant is likely to be disruptive. The variant allele was found at a frequency of 4e-06 in 251364 control chromosomes. The available data on variant occurrences in the general population are insufficient to allow any conclusion about variant significance. To our knowledge, no occurrence of c.2836G>A in individuals affected with SH3TC2-related conditions and no experimental evidence demonstrating its impact on protein function have been reported. No submitters have cited clinical-significance assessments for this variant to ClinVar. Based on the evidence outlined above, the variant was classified as uncertain significance.

NM_024577.4(SH3TC2):c.2836G>A (p.Ala946Thr)

Gene: SH3TC2 (SH3 domain and tetratricopeptide repeats 2; minus strand). Cytogenetic location: 5q32.
Variant type: single nucleotide variant.
Coding change: c.2836G>A on transcript NM_024577.4 (MANE Select); coding-DNA position 2836, G replaced by A.
Protein change: p.Ala946Thr; replaces alanine 946 with threonine.
Molecular consequence: missense variant.
Genome position (GRCh38, 1-based): chr5:149,026,896, C>T on the plus strand (G>A on the coding strand, the complement: SH3TC2 is on the minus strand). VCF-style: chr5-149026896-C-T. GRCh37 (hg19) VCF-style: chr5-148406459-C-T.
Other names: short protein forms A946T.
Identifiers: ClinVar variation 4848307 (VCV004848307.1).